The following is an entry in ClinVar:

NM_000264.5(PTCH1):c.1018G>A (p.Glu340Lys)

Gene: PTCH1 (patched 1; minus strand). Cytogenetic location: 9q22.32.
Variant type: single nucleotide variant.
Coding change: c.1018G>A on transcript NM_000264.5 (MANE Select); coding-DNA position 1018, G replaced by A.
Protein change: p.Glu340Lys; replaces glutamic acid 340 with lysine.
Molecular consequence: missense variant. On other transcripts: non-coding transcript variant (1).
Genome position (GRCh38, 1-based): chr9:95,480,018, C>T on the plus strand (G>A on the coding strand, the complement: PTCH1 is on the minus strand). VCF-style: chr9-95480018-C-T. GRCh37 (hg19) VCF-style: chr9-98242300-C-T.
Other names: c.820G>A, p.Glu274Lys (NM_001083602.3); c.1015G>A, p.Glu339Lys (NM_001083603.3); c.565G>A, p.Glu189Lys (NM_001083604.3, NM_001083605.3, NM_001083606.3 and 1 more transcripts); c.1018G>A, p.Glu340Lys (NM_001354918.2); short protein forms E339K, E189K, E340K, E274K.
Identifiers: ClinVar variation 5027426 (VCV005027426.1).

ClinVar aggregate classification (germline): Uncertain significance (1 of 4 stars; one submission).

Conditions:
Hereditary cancer-predisposing syndrome. Also called: Neoplastic Syndromes, Hereditary; Tumor predisposition; Hereditary neoplastic syndrome; Hereditary Cancer Syndrome. Identifiers: Orphanet 140162, MedGen C0027672, MeSH D009386, MONDO:0015356.

Submission:

Ambry Genetics
Classification: Uncertain significance for Hereditary cancer-predisposing syndrome. Last evaluated: 2026-09-14. Review status: criteria provided, single submitter. Criteria: Ambry Variant Classification Scheme 2023. Collection method: clinical testing. Allele origin: germline.
Comment: The p.E340K variant (also known as c.1018G>A), located in coding exon 7 of the PTCH1 gene, results from a G to A substitution at nucleotide position 1018. The glutamic acid at codon 340 is replaced by lysine, an amino acid with similar properties. This amino acid position is conserved. In addition, the in silico prediction for this alteration is inconclusive. Based on the available evidence, the clinical significance of this variant remains unclear.